The following is an entry in ClinVar:

ClinVar aggregate classification (germline): Uncertain significance (1 of 4 stars; one submission).

gnomAD v4.1: 35 of 1,583,208 alleles (0.0022%); highest among the groups gnomAD compares: East Asian, 0.079%; no homozygotes.

Submission:

Ambry Genetics
Classification: Uncertain significance. Last evaluated: 2025-03-21. Review status: criteria provided, single submitter. Criteria: Ambry Variant Classification Scheme 2023. Collection method: clinical testing. Allele origin: germline.
Comment: The p.A213S variant (also known as c.637G>T), located in coding exon 6 of the RAD51B gene, results from a G to T substitution at nucleotide position 637. The alanine at codon 213 is replaced by serine, an amino acid with similar properties. This amino acid position is highly conserved in available vertebrate species. In addition, the in silico prediction for this alteration is inconclusive. The evidence for this gene-disease relationship is limited; therefore, the clinical significance of this alteration is unclear.

NM_133510.4(RAD51B):c.637G>T (p.Ala213Ser)

Gene: RAD51B (RAD51 paralog B; plus strand). Cytogenetic location: 14q24.1.
Variant type: single nucleotide variant.
Coding change: c.637G>T on transcript NM_133510.4 (MANE Select); coding-DNA position 637, G replaced by T.
Protein change: p.Ala213Ser; replaces alanine 213 with serine.
Molecular consequence: missense variant.
Genome position (GRCh38, 1-based): chr14:67,887,085, G>T. VCF-style: chr14-67887085-G-T. GRCh37 (hg19) VCF-style: chr14-68353802-G-T.
Other names: c.637G>T, p.Ala213Ser (NM_001321809.2, NM_001321810.2, NM_001321812.1 and 6 more transcripts); c.523G>T, p.Ala175Ser (NM_001321815.1); c.280G>T, p.Ala94Ser (NM_001321817.2); short protein forms A213S, A94S, A175S.
Identifiers: ClinVar variation 3942252 (VCV003942252.1).